The following is an entry in ClinVar:

ClinVar aggregate classification (germline): Uncertain significance. Review status: criteria provided, multiple submitters, no conflicts (2 of 4 stars). 2 submissions from 2 submitters: Uncertain significance (2). Last evaluated 2025-10-18.

Conditions:
Acrodysostosis 2 with or without hormone resistance. Also called: ACRODYSOSTOSIS 2 WITH HORMONE RESISTANCE; ACRODYSOSTOSIS 2 WITHOUT HORMONE RESISTANCE. Identifiers: Orphanet 280651, MedGen C3553250, MONDO:0013822, OMIM 614613.

gnomAD v4.1: 4 of 1,557,180 alleles (0.00026%); highest among the groups gnomAD compares: South Asian, 0.0036%; no homozygotes.

Submissions (2):

Labcorp Genetics (formerly Invitae), Labcorp
Classification: Uncertain significance. Last evaluated: 2025-10-18. Review status: criteria provided, single submitter. Criteria: Invitae Variant Classification Sherloc (09022015). Collection method: clinical testing. Allele origin: germline.
Comment: This sequence change replaces arginine, which is basic and polar, with leucine, which is neutral and non-polar, at codon 152 of the PDE4D protein (p.Arg152Leu). This variant also falls at the last nucleotide of exon 1, which is part of the consensus splice site for this exon. The frequency data for this variant in the population databases is considered unreliable, as metrics indicate poor data quality at this position in the gnomAD database. This variant has not been reported in the literature in individuals affected with PDE4D-related conditions. An algorithm developed to predict the effect of missense changes on protein structure and function (PolyPhen-2) suggests that this variant is likely to be tolerated. Variants that disrupt the consensus splice site are a relatively common cause of aberrant splicing (PMID: 17576681, 9536098). In summary, the available evidence is currently insufficient to determine the role of this variant in disease. Therefore, it has been classified as a Variant of Uncertain Significance.

Juno Genomics, Hangzhou Juno Genomics, Inc
Classification: Uncertain significance for Acrodysostosis 2 with or without hormone resistance. Review status: criteria provided, single submitter. Criteria: ACMG Guidelines, 2015. Collection method: clinical testing. Allele origin: germline.
Comment: Absent from controls (or at extremely low frequency if recessive) in Genome Aggregation Database.

Literature cited by the submitters: PubMed 17576681 (cited by Labcorp Genetics (formerly Invitae), Labcorp); PubMed 9536098 (cited by Labcorp Genetics (formerly Invitae), Labcorp).

NM_001104631.2(PDE4D):c.455G>T (p.Arg152Leu)

Gene: PDE4D (phosphodiesterase 4D; minus strand). Cytogenetic location: 5q12.1.
Variant type: single nucleotide variant.
Coding change: c.455G>T on transcript NM_001104631.2 (MANE Select); coding-DNA position 455, G replaced by T.
Protein change: p.Arg152Leu; replaces arginine 152 with leucine.
Molecular consequence: missense variant. On other transcripts: intron variant (5).
Genome position (GRCh38, 1-based): chr5:59,893,168, C>A on the plus strand (G>T on the coding strand, the complement: PDE4D is on the minus strand). VCF-style: chr5-59893168-C-A. GRCh37 (hg19) VCF-style: chr5-59188995-C-A.
Other names: c.272+95320G>T (NM_001364599.1, NM_001165899.2, NM_001364600.2); c.-240+95320G>T (NM_001349243.2); c.242+95320G>T (NM_001349241.2); short protein forms R152L.
Identifiers: ClinVar variation 4782236 (VCV004782236.3).